The following is an entry in ClinVar:

NM_025233.7(COASY):c.211C>A (p.Leu71Ile)

Gene: COASY (Coenzyme A synthase; plus strand). Cytogenetic location: 17q21.2.
Variant type: single nucleotide variant.
Coding change: c.211C>A on transcript NM_025233.7 (MANE Select); coding-DNA position 211, C replaced by A.
Protein change: p.Leu71Ile; replaces leucine 71 with isoleucine.
Molecular consequence: missense variant.
Genome position (GRCh38, 1-based): chr17:42,562,833, C>A. VCF-style: chr17-42562833-C-A. GRCh37 (hg19) VCF-style: chr17-40714851-C-A.
Other names: c.211C>A (NM_025233.6); c.211C>A, p.Leu71Ile (NM_001042529.3); c.298C>A, p.Leu100Ile (NM_001042532.4); short protein forms L100I, L71I.
Identifiers: ClinVar variation 1026633 (VCV001026633.10), dbSNP rs141350621, ClinGen allele CA8577941.

ClinVar aggregate classification (germline): Uncertain significance. Review status: criteria provided, multiple submitters, no conflicts (2 of 4 stars). 2 submissions from 2 submitters: Uncertain significance (2). Last evaluated 2025-09-15.

Conditions:
Neurodegeneration with brain iron accumulation 6 (NBIA6). Also called: COASY protein-associated neurodegeneration. Identifiers: Orphanet 397725, MedGen C4517377, MONDO:0014290, OMIM 615643.

Allele frequency attached by ClinVar (database versions not stated): TOPMed 0.00034.

Submissions (2):

GeneDx
Classification: Uncertain significance. Last evaluated: 2025-09-15. Review status: criteria provided, single submitter. Criteria: GeneDx Variant Classification Process June 2021. Collection method: clinical testing. Allele origin: germline. Affected: yes.
Comment: Reported previously, in trans with a second variant, in a patient with an atypical phenotype including abnormal posturing, lethargy, dystonia, clonus, feeding difficulties, hypoglycemia, decreased urine output, hypercapnia, progressive microcephaly, abnormal cry, and abnormal conjugate eye movement (PMID: 36939041); In silico analysis suggests that this missense variant does not alter protein structure/function; This variant is associated with the following publications: (PMID: 36939041)

Labcorp Genetics (formerly Invitae), Labcorp
Classification: Uncertain significance for Neurodegeneration with brain iron accumulation 6. Last evaluated: 2023-12-18. Review status: criteria provided, single submitter. Criteria: Invitae Variant Classification Sherloc (09022015). Collection method: clinical testing. Allele origin: germline.
Comment: This sequence change replaces leucine, which is neutral and non-polar, with isoleucine, which is neutral and non-polar, at codon 71 of the COASY protein (p.Leu71Ile). This variant is present in population databases (rs141350621, gnomAD 0.1%). This variant has not been reported in the literature in individuals affected with COASY-related conditions. ClinVar contains an entry for this variant (Variation ID: 1026633). Advanced modeling of protein sequence and biophysical properties (such as structural, functional, and spatial information, amino acid conservation, physicochemical variation, residue mobility, and thermodynamic stability) performed at Invitae indicates that this missense variant is not expected to disrupt COASY protein function with a negative predictive value of 80%. In summary, the available evidence is currently insufficient to determine the role of this variant in disease. Therefore, it has been classified as a Variant of Uncertain Significance.